The following is an entry in ClinVar:

ClinVar aggregate classification (germline): Likely benign (1 of 4 stars; one submission).

Submission:

CeGaT Center for Human Genetics Tuebingen
Classification: Likely benign. Last evaluated: 2025-12-01. Review status: criteria provided, single submitter. Criteria: CeGaT Center For Human Genetics Tuebingen Variant Classification Criteria Version 2. Collection method: clinical testing. Allele origin: germline. Affected: yes. Observed: 1 variant allele.
Comment: TRIP12: BP4, BP7

NM_001348323.3(TRIP12):c.3054A>G (p.Pro1018=)

Gene: TRIP12 (thyroid hormone receptor interactor 12; minus strand). Cytogenetic location: 2q36.3.
Variant type: single nucleotide variant.
Coding change: c.3054A>G on transcript NM_001348323.3 (MANE Select); coding-DNA position 3054, A replaced by G.
Protein change: p.Pro1018=; no amino-acid change (proline 1018 retained).
Molecular consequence: synonymous variant.
Genome position (GRCh38, 1-based): chr2:229,802,404, T>C on the plus strand (A>G on the coding strand, the complement: TRIP12 is on the minus strand). VCF-style: chr2-229802404-T-C. GRCh37 (hg19) VCF-style: chr2-230667120-T-C.
Other names: c.2973A>G, p.Pro991= (NM_001284214.2, NM_001348315.2); c.2928A>G, p.Pro976= (NM_001284215.2, NM_001348316.2, NM_001348317.1 and 1 more transcripts); c.2019A>G, p.Pro673= (NM_001284216.2); c.3054A>G, p.Pro1018= (NM_001348319.1, NM_001348320.2, NM_001348322.1 and 4 more transcripts); c.3057A>G, p.Pro1019= (NM_001348321.1, NM_001348328.1, NM_001348329.2 and 1 more transcripts); c.2847A>G, p.Pro949= (NM_001348331.1); c.2967A>G, p.Pro989= (NM_001348332.1); c.2976A>G, p.Pro992= (NM_001348333.1); and 1 more.
Identifiers: ClinVar variation 4681579 (VCV004681579.5).
Genomic context (GRCh38, chr2:229,802,404, plus strand): 5'-CCCACTGCTGACTGAAGTTGTGGATCCCATGGATCCCGATCCATTCGTACATGCCTTTGG[T>C]GGACTTGTCAACAAAGACTCTGATTCTGCTAAGTGTTTTACTTGATGCATTACACCTTTA-3'
Protein context (NP_001335252.1, residues 1008-1028): LAESESLLTS[Pro1018=]PKACTNGSGS